The following is an entry in ClinVar:

ClinVar aggregate classification (germline): Uncertain significance (1 of 4 stars; one submission).

Conditions:
Familial cold autoinflammatory syndrome 4 (FCAS4). Identifiers: Orphanet 47045, Orphanet 576349, MedGen C4015276, MONDO:0014498, OMIM 616115.
Periodic fever-infantile enterocolitis-autoinflammatory syndrome. Also called: Autoinflammation with infantile enterocolitis. Identifiers: Orphanet 436166, MedGen C4015067, MONDO:0014472, OMIM 616050.

Allele frequency attached by ClinVar (database versions not stated): ExAC 0.00002; TOPMed 0.00003; gnomAD exomes 0.00004 and 0.00002.
gnomAD v4.1: 11 of 1,614,202 alleles (0.00068%); highest among the groups gnomAD compares: Admixed American, 0.013%; no homozygotes.

Submission:

Labcorp Genetics (formerly Invitae), Labcorp
Classification: Uncertain significance for Periodic fever-infantile enterocolitis-autoinflammatory syndrome; Familial cold autoinflammatory syndrome 4. Last evaluated: 2025-11-01. Review status: criteria provided, single submitter. Criteria: Invitae Variant Classification Sherloc (09022015). Collection method: clinical testing. Allele origin: germline.
Comment: This sequence change replaces leucine, which is neutral and non-polar, with phenylalanine, which is neutral and non-polar, at codon 455 of the NLRC4 protein (p.Leu455Phe). This variant is present in population databases (rs763620987, gnomAD 0.02%). This variant has not been reported in the literature in individuals affected with NLRC4-related conditions. ClinVar contains an entry for this variant (Variation ID: 1388916). Invitae Evidence Modeling of protein sequence and biophysical properties (such as structural, functional, and spatial information, amino acid conservation, physicochemical variation, residue mobility, and thermodynamic stability) indicates that this missense variant is expected to disrupt NLRC4 protein function with a positive predictive value of 80%. In summary, the available evidence is currently insufficient to determine the role of this variant in disease. Therefore, it has been classified as a Variant of Uncertain Significance.

NM_001199138.2(NLRC4):c.1363C>T (p.Leu455Phe)

Gene: NLRC4 (NLR family CARD domain containing 4; minus strand). Cytogenetic location: 2p22.3.
Variant type: single nucleotide variant.
Coding change: c.1363C>T on transcript NM_001199138.2 (MANE Select); coding-DNA position 1363, C replaced by T.
Protein change: p.Leu455Phe; replaces leucine 455 with phenylalanine.
Molecular consequence: missense variant. On other transcripts: intron variant (1).
Genome position (GRCh38, 1-based): chr2:32,250,501, G>A on the plus strand (C>T on the coding strand, the complement: NLRC4 is on the minus strand). VCF-style: chr2-32250501-G-A. GRCh37 (hg19) VCF-style: chr2-32475570-G-A.
Other names: c.1363C>T, p.Leu455Phe (NM_001199139.2, NM_021209.5); c.262+1918C>T (NM_001302504.1); short protein forms L455F.
Identifiers: ClinVar variation 1388916 (VCV001388916.8), dbSNP rs763620987, ClinGen allele CA1602004.